The following is an entry in ClinVar:

ClinVar aggregate classification (germline): Conflicting classifications of pathogenicity. Review status: criteria provided, conflicting classifications (1 of 4 stars). 3 submissions from 3 submitters: Likely pathogenic (1); Uncertain significance (1). 1 of the submissions does not count toward it. Last evaluated 2025-12-22.

Conditions:
Usher syndrome type 2A. Also called: RETINAL DISEASE IN USHER SYNDROME TYPE IIA, MODIFIER OF; USHER SYNDROME, TYPE IIA. Identifiers: Orphanet 231178, Orphanet 886, MedGen C1848634, MONDO:0010169, OMIM 276901.

gnomAD v4.1: 5 of 1,614,050 alleles (0.00031%); highest among the groups gnomAD compares: Non-Finnish European, 0.00042%; no homozygotes.

Submissions (3):

Labcorp Genetics (formerly Invitae), Labcorp
Classification: Likely pathogenic. Last evaluated: 2025-12-22. Review status: criteria provided, single submitter. Criteria: Invitae Variant Classification Sherloc (09022015). Collection method: clinical testing. Allele origin: germline.
Comment: This sequence change replaces proline, which is neutral and non-polar, with serine, which is neutral and polar, at codon 2241 of the USH2A protein (p.Pro2241Ser). This variant is not present in population databases (gnomAD no frequency). This missense change has been observed in individual(s) with clinical features of retinitis pigmentosa (internal data). ClinVar contains an entry for this variant (Variation ID: 48569). Invitae Evidence Modeling of protein sequence and biophysical properties (such as structural, functional, and spatial information, amino acid conservation, physicochemical variation, residue mobility, and thermodynamic stability) indicates that this missense variant is expected to disrupt USH2A protein function with a positive predictive value of 95%. This variant disrupts the p.Pro2241 amino acid residue in USH2A. Other variant(s) that disrupt this residue have been determined to be pathogenic (PMID: 25999674, 26927203, 27318125, 28224992; internal data). This suggests that this residue is clinically significant, and that variants that disrupt this residue are likely to be disease-causing. In summary, the currently available evidence indicates that the variant is pathogenic, but additional data are needed to prove that conclusively. Therefore, this variant has been classified as Likely Pathogenic.

Laboratory for Molecular Medicine, Mass General Brigham Personalized Medicine
Classification: Uncertain significance. Last evaluated: 2012-04-10. Review status: criteria provided, single submitter. Criteria: LMM Criteria. Collection method: clinical testing. Allele origin: germline. Observed: 2 variant alleles.
Comment: The Pro2241Ser variant in USH2A has not been reported in the literature nor prev iously identified by our laboratory. Computational analyses (biochemical amino a cid properties, conservation, PolyPhen2, SIFT, AlignGVGD) suggest that the varia nt may impact the protein. However, this information is not predictive enough to determine pathogenicity. It should also be noted that this variant was identifi ed in cis with the Cys759Phe USH2A variant. In summary, the clinical significanc e of this variant cannot be determined with certainty at this time.

Natera, Inc.
Classification: Uncertain significance for Usher syndrome type 2A. Last evaluated: 2020-09-16. Review status: no assertion criteria provided. Collection method: clinical testing. Allele origin: germline. Not counted in ClinVar's aggregate classification.

Literature cited by the submitters: PubMed 25999674 (cited by Labcorp Genetics (formerly Invitae), Labcorp); PubMed 26927203 (cited by Labcorp Genetics (formerly Invitae), Labcorp); PubMed 27318125 (cited by Labcorp Genetics (formerly Invitae), Labcorp); PubMed 28224992 (cited by Labcorp Genetics (formerly Invitae), Labcorp).

NM_206933.4(USH2A):c.6721C>T (p.Pro2241Ser)

Gene: USH2A (usherin; minus strand). Cytogenetic location: 1q41.
Variant type: single nucleotide variant.
Coding change: c.6721C>T on transcript NM_206933.4 (MANE Select); coding-DNA position 6721, C replaced by T.
Protein change: p.Pro2241Ser; replaces proline 2241 with serine.
Molecular consequence: missense variant.
Genome position (GRCh38, 1-based): chr1:215,993,104, G>A on the plus strand (C>T on the coding strand, the complement: USH2A is on the minus strand). VCF-style: chr1-215993104-G-A. GRCh37 (hg19) VCF-style: chr1-216166446-G-A.
Other names: short protein forms P2241S.
Identifiers: ClinVar variation 48569 (VCV000048569.15), dbSNP rs111033412, ClinGen allele CA143572.